The following is an entry in ClinVar:

ClinVar aggregate classification (germline): Uncertain significance (1 of 4 stars; one submission).

gnomAD v4.1: 26 of 1,550,990 alleles (0.0017%); highest among the groups gnomAD compares: African/African-American, 0.0027%; no homozygotes.

Submission:

Dasa
Classification: Uncertain significance. Last evaluated: 2025-02-22. Review status: criteria provided, single submitter. Criteria: DASA Assertion Criteria. Collection method: clinical testing. Allele origin: germline.
Comment: NM_001243744.2(FANCC):c.1405G>A (p.Glu469Lys) is a missense variant that results in the substitution of glutamic acid with lysine. This variant is rare in population databases. The currently available literature and clinical evidence are not sufficient to establish a definitive association between this variant and the reported condition. Therefore, this variant is classified as a variant of uncertain significance.

NM_000136.3(FANCC):c.1329+193G>A

Genes: AOPEP (aminopeptidase O (putative); plus strand), FANCC (FA complementation group C; minus strand). Cytogenetic location: 9q22.32.
Variant type: single nucleotide variant.
Coding change: c.1329+193G>A on transcript NM_000136.3 (MANE Select); 193 bases into the intron after coding-DNA position 1329, G replaced by A.
Molecular consequence: intron variant. On other transcripts: missense variant (1).
Genome position (GRCh38, 1-based): chr9:95,111,270, C>T on the plus strand (G>A on the coding strand, the complement: FANCC is on the minus strand). VCF-style: chr9-95111270-C-T. GRCh37 (hg19) VCF-style: chr9-97873552-C-T.
Other names: c.1405G>A, p.Glu469Lys (NM_001243744.2); c.1329+193G>A (NM_001243743.2); short protein forms E469K.
Identifiers: ClinVar variation 4881542 (VCV004881542.2).